The following is an entry in ClinVar:

NM_007103.4(NDUFV1):c.248C>T (p.Ser83Leu)

Gene: NDUFV1 (NADH:ubiquinone oxidoreductase core subunit V1; plus strand). Cytogenetic location: 11q13.2.
Variant type: single nucleotide variant.
Coding change: c.248C>T on transcript NM_007103.4 (MANE Select); coding-DNA position 248, C replaced by T.
Protein change: p.Ser83Leu; replaces serine 83 with leucine.
Molecular consequence: missense variant.
Genome position (GRCh38, 1-based): chr11:67,608,644, C>T. VCF-style: chr11-67608644-C-T. GRCh37 (hg19) VCF-style: chr11-67376115-C-T.
Other names: c.221C>T, p.Ser74Leu (NM_001166102.2); short protein forms S74L, S83L.
Identifiers: ClinVar variation 976668 (VCV000976668.5), dbSNP rs779150755, ClinGen allele CA6143117.

ClinVar aggregate classification (germline): Conflicting classifications of pathogenicity. Review status: criteria provided, conflicting classifications (1 of 4 stars). 3 submissions from 3 submitters: Likely pathogenic (2); Uncertain significance (1). Last evaluated 2023-02-22.

Conditions:
NDUFV1-related disorder. Also called: NDUFV1-related condition; NDUFV1-related disorders.
Mitochondrial complex I deficiency, nuclear type 4. Also called: Mitochondrial complex 1 deficiency, nuclear type 4. Identifiers: MedGen C4748753, MONDO:0032609, OMIM 618225.

Allele frequency attached by ClinVar (database versions not stated): ExAC 0.00002; gnomAD exomes 0.00003; gnomAD 0.00004; TOPMed 0.00004.

Submissions (3):

Blueprint Genetics
Classification: Likely pathogenic for NDUFV1-related disorders. Last evaluated: 2023-02-22. Review status: criteria provided, single submitter. Criteria: ACMG Guidelines, 2015. Collection method: clinical testing. Allele origin: germline. Affected: yes. Observed: 4 variant alleles.

Women's Health and Genetics/Laboratory Corporation of America, LabCorp
Classification: Uncertain significance. Last evaluated: 2022-10-27. Review status: criteria provided, single submitter. Criteria: LabCorp Variant Classification Summary - May 2015. Collection method: clinical testing. Allele origin: germline.
Comment: Variant summary: NDUFV1 c.248C>T (p.Ser83Leu) results in a non-conservative amino acid change located in the NADH-ubiquinone oxidoreductase 51kDa subunit, FMN-binding domain (IPR011538) of the encoded protein sequence. Five of five in-silico tools predict a damaging effect of the variant on protein function. The variant allele was found at a frequency of 3.2e-05 in 251492 control chromosomes (gnomAD). c.248C>T has been reported in the literature in a compound heterozygous individual affected with cavitating leukoencephalopathy (Zhang_2019). Furthermore, a ClinVar submitter (evaluation after 2014) cites the variant as likely pathogenic, reporting a compound heterozygous individual affected with Mitochondrial complex 1 deficiency, nuclear type 4 (SCV001429939.1). These data indicate that the variant may be associated with disease. To our knowledge, no experimental evidence demonstrating an impact on protein function has been reported. Based on the evidence outlined above, the variant was classified as VUS-possibly pathogenic.

Institute of Human Genetics Munich, TUM University Hospital
Classification: Likely pathogenic for Mitochondrial complex I deficiency, nuclear type 4. Last evaluated: 2019-08-07. Review status: criteria provided, single submitter. Criteria: Classification criteria August 2017. Collection method: clinical testing. Allele origin: germline. Inheritance: Autosomal recessive inheritance. Affected: yes. Observed: 1 compound heterozygote.

Literature cited by the submitters: PubMed 30770271 (cited by Women's Health and Genetics/Laboratory Corporation of America, LabCorp).